The following continues an entry in ClinVar:

NM_025114.4(CEP290):c.1092T>G (p.Ile364Met)

Gene: CEP290. ClinVar aggregate classification (germline): Likely benign. Likely benign (1).

Submissions 15 to 23 of 23:

Illumina Laboratory Services, Illumina
Classification: Likely benign for Senior-Loken syndrome 6. Last evaluated: 2018-01-12. Review status: criteria provided, single submitter. Criteria: ICSL Variant Classification Criteria 13 December 2019. Collection method: clinical testing. Allele origin: germline. Not counted in ClinVar's aggregate classification.
Comment: This variant was observed in the ICSL laboratory as part of a predisposition screen in an ostensibly healthy population. It had not been previously curated by ICSL or reported in the Human Gene Mutation Database (HGMD: prior to June 1st, 2018), and was therefore a candidate for classification through an automated scoring system. Utilizing variant allele frequency, disease prevalence and penetrance estimates, and inheritance mode, an automated score was calculated to assess if this variant is too frequent to cause the disease. Based on the score and internal cut-off values, a variant classified as likely benign is not then subjected to further curation. The score for this variant resulted in a classification of likely benign for this disease.

Illumina Laboratory Services, Illumina
Classification: Uncertain significance for Meckel syndrome, type 4. Last evaluated: 2018-01-12. Review status: criteria provided, single submitter. Criteria: ICSL Variant Classification Criteria 13 December 2019. Collection method: clinical testing. Allele origin: germline. Not counted in ClinVar's aggregate classification.

Illumina Laboratory Services, Illumina
Classification: Uncertain significance for Leber congenital amaurosis 10. Last evaluated: 2018-01-12. Review status: criteria provided, single submitter. Criteria: ICSL Variant Classification Criteria 13 December 2019. Collection method: clinical testing. Allele origin: germline. Not counted in ClinVar's aggregate classification.

Illumina Laboratory Services, Illumina
Classification: Uncertain significance for Bardet-Biedl syndrome 14. Last evaluated: 2018-01-12. Review status: criteria provided, single submitter. Criteria: ICSL Variant Classification Criteria 13 December 2019. Collection method: clinical testing. Allele origin: germline. Not counted in ClinVar's aggregate classification.

Illumina Laboratory Services, Illumina
Classification: Uncertain significance for Joubert syndrome 5. Last evaluated: 2018-01-12. Review status: criteria provided, single submitter. Criteria: ICSL Variant Classification Criteria 13 December 2019. Collection method: clinical testing. Allele origin: germline. Not counted in ClinVar's aggregate classification.

Ambry Genetics
Classification: Likely benign for Inborn genetic diseases. Last evaluated: 2016-08-10. Review status: criteria provided, single submitter. Criteria: Ambry exome assertion method (8-5-2015). Collection method: clinical testing. Allele origin: germline. Affected: yes. Observed: 1 variant allele. Not counted in ClinVar's aggregate classification.

Eurofins Ntd Llc (ga)
Classification: Likely benign. Last evaluated: 2016-03-29. Review status: criteria provided, single submitter. Criteria: EGL Classification Definitions 2015. Collection method: clinical testing. Allele origin: germline. Observed: 3 variant alleles, 2 heterozygotes, 1 homozygote. Not counted in ClinVar's aggregate classification.

Molecular Endocrinology Laboratory, Christian Medical College
Classification: Uncertain significance for Bardet-Biedl syndrome 14. Review status: criteria provided, single submitter. Criteria: ACMG Guidelines, 2015. Collection method: clinical testing. Allele origin: germline. Affected: yes. Not counted in ClinVar's aggregate classification.

Natera, Inc.
Classification: Uncertain significance for Leber congenital amaurosis. Last evaluated: 2020-04-17. Review status: no assertion criteria provided. Collection method: clinical testing. Allele origin: germline. Not counted in ClinVar's aggregate classification.